The following is an entry in ClinVar:

NM_001903.5(CTNNA1):c.1317C>T (p.Ser439=)

Gene: CTNNA1 (catenin alpha 1; plus strand). Cytogenetic location: 5q31.2.
Variant type: single nucleotide variant.
Coding change: c.1317C>T on transcript NM_001903.5 (MANE Select); coding-DNA position 1317, C replaced by T.
Protein change: p.Ser439=; no amino-acid change (serine 439 retained).
Molecular consequence: synonymous variant. On other transcripts: 5 prime UTR variant (6), intron variant (3).
Genome position (GRCh38, 1-based): chr5:138,904,369, C>T. VCF-style: chr5-138904369-C-T. GRCh37 (hg19) VCF-style: chr5-138240058-C-T.
Other names: c.1317C>T, p.Ser439= (NM_001323984.2, NM_001323985.2, NM_001290307.3 and 2 more transcripts); c.207C>T, p.Ser69= (NM_001323987.1, NM_001323988.1, NM_001323989.1 and 17 more transcripts); c.-191C>T (NM_001324006.1, NM_001324007.1, NM_001324008.1 and 1 more transcripts); c.-37C>T (NM_001324012.1, NM_001324013.1); c.1297-13373C>T (NM_001323986.2); c.187-13373C>T (NM_001324011.1); c.-60-13373C>T (NM_001324010.1); c.1008C>T, p.Ser336= (NM_001290309.3); and 1 more.
Identifiers: ClinVar variation 696560 (VCV000696560.16), dbSNP rs781149066, ClinGen allele CA3431918.
Genomic context (GRCh38, chr5:138,904,369, plus strand): 5'-AAAGAGAAAAATCTTTAAAGATTATTTTTTATGTTTATAGGTTGCCAACTTGGCCTGTTC[C>T]ATCTCAAATAATGAAGAAGGTGTAAAGCTTGTTCGAATGTCTGCAAGCCAGTTAGAAGCC-3'
Protein context (NP_001894.2, residues 429-449): KLIEVANLAC[Ser439=]ISNNEEGVKL

ClinVar aggregate classification (germline): Benign/Likely benign. Review status: criteria provided, multiple submitters, no conflicts (2 of 4 stars). 3 submissions from 3 submitters: Benign (1); Likely benign (2). Last evaluated 2026-01-16.

Conditions:
Hereditary cancer-predisposing syndrome. Also called: Tumor predisposition; Hereditary neoplastic syndrome; Hereditary Cancer Syndrome; Neoplastic Syndromes, Hereditary. Identifiers: Orphanet 140162, MedGen C0027672, MeSH D009386, MONDO:0015356.
Hereditary diffuse gastric adenocarcinoma (HDGC). Also called: DIFFUSE GASTRIC AND LOBULAR BREAST CANCER SYNDROME. Identifiers: Orphanet 26106, MedGen C1708349, MONDO:0007648, OMIM 137215.

Allele frequency attached by ClinVar (database versions not stated): gnomAD exomes below 0.00001; ExAC 0.00001; gnomAD 0.00001.
gnomAD v4.1: 5 of 1,613,690 alleles (0.00031%); highest among the groups gnomAD compares: Non-Finnish European, 0.00042%; no homozygotes.

Submissions (3):

Labcorp Genetics (formerly Invitae), Labcorp
Classification: Likely benign. Last evaluated: 2026-01-16. Review status: criteria provided, single submitter. Criteria: Invitae Variant Classification Sherloc (09022015). Collection method: clinical testing. Allele origin: germline.

Myriad Genetics, Inc.
Classification: Benign for Hereditary diffuse gastric adenocarcinoma. Last evaluated: 2024-10-11. Review status: criteria provided, single submitter. Criteria: Myriad Autosomal Dominant, Autosomal Recessive and X-Linked Classification Criteria (2023). Collection method: clinical testing. Allele origin: unknown.
Comment: This variant is considered benign. This variant is a silent/synonymous amino acid change and it is not expected to impact splicing.

Ambry Genetics
Classification: Likely benign for Hereditary cancer-predisposing syndrome. Last evaluated: 2019-06-19. Review status: criteria provided, single submitter. Criteria: Ambry Variant Classification Scheme 2023. Collection method: clinical testing. Allele origin: germline.